The following is an entry in ClinVar:

ClinVar aggregate classification (germline): Uncertain significance. Review status: criteria provided, multiple submitters, no conflicts (2 of 4 stars). 3 submissions from 3 submitters: Uncertain significance (3). Last evaluated 2025-09-09.

Conditions:
Familial isolated arrhythmogenic right ventricular dysplasia. Identifiers: Orphanet 217656, MedGen C4274968, MONDO:0016342.
Cardiovascular phenotype. Identifiers: MedGen CN230736.

Allele frequency attached by ClinVar (database versions not stated): gnomAD 0.00001; TOPMed 0.00001.
gnomAD v4.1: 2 of 1,613,752 alleles (0.00012%); highest among the groups gnomAD compares: African/African-American, 0.0027%; no homozygotes.

Submissions (3):

Ambry Genetics
Classification: Uncertain significance for Cardiovascular phenotype. Last evaluated: 2025-09-09. Review status: criteria provided, single submitter. Criteria: Ambry Variant Classification Scheme 2023. Collection method: clinical testing. Allele origin: germline.

GeneDx
Classification: Uncertain significance. Last evaluated: 2025-08-04. Review status: criteria provided, single submitter. Criteria: GeneDx Variant Classification Process June 2021. Collection method: clinical testing. Allele origin: germline. Affected: yes.
Comment: Not observed at significant frequency in large population cohorts (gnomAD); In silico analysis supports that this missense variant has a deleterious effect on protein structure/function; Has not been previously published as pathogenic or benign to our knowledge

All of Us Research Program, National Institutes of Health
Classification: Uncertain significance for Familial isolated arrhythmogenic right ventricular dysplasia. Last evaluated: 2023-08-15. Review status: criteria provided, single submitter. Criteria: ACMG Guidelines, 2015. Collection method: clinical testing. Allele origin: germline. Inheritance: Autosomal dominant inheritance. Observed: 1 variant allele, 1 heterozygote.
Comment: This missense variant replaces aspartic acid with asparagine at codon 380 of the DSC2 protein. Computational prediction is inconclusive regarding the impact of this variant on protein structure and function (internally defined REVEL score threshold 0.5 < inconclusive < 0.7, PMID: 27666373). To our knowledge, functional studies have not been reported for this variant. This variant has not been reported in individuals affected with DSC2-related disorders in the literature. This variant has not been identified in the general population by the Genome Aggregation Database (gnomAD). The available evidence is insufficient to determine the role of this variant in disease conclusively. Therefore, this variant is classified as a Variant of Uncertain Significance.

This study involves interpretation of variants in research participants for the purpose of population health screening. Participant phenotype was not available at the time of variant classification. Additional details can be found in publication PMID: 35346344, PMCID: PMC8962531

NM_024422.6(DSC2):c.1138G>A (p.Asp380Asn)

Gene: DSC2 (desmocollin 2; minus strand). Cytogenetic location: 18q12.1.
Variant type: single nucleotide variant.
Coding change: c.1138G>A on transcript NM_024422.6 (MANE Select); coding-DNA position 1138, G replaced by A.
Protein change: p.Asp380Asn; replaces aspartic acid 380 with asparagine.
Molecular consequence: missense variant.
Genome position (GRCh38, 1-based): chr18:31,082,363, C>T on the plus strand (G>A on the coding strand, the complement: DSC2 is on the minus strand). VCF-style: chr18-31082363-C-T. GRCh37 (hg19) VCF-style: chr18-28662329-C-T.
Other names: c.1138G>A, p.Asp380Asn (NM_004949.5); short protein forms D380N.
Identifiers: ClinVar variation 3072872 (VCV003072872.3), dbSNP rs267605147, ClinGen allele CA297637668.